The following is an entry in ClinVar:

ClinVar aggregate classification (germline): Uncertain significance (1 of 4 stars; one submission).

gnomAD v4.1: 6 of 1,613,910 alleles (0.00037%); highest among the groups gnomAD compares: South Asian, 0.0055%; no homozygotes.

Submission:

Labcorp Genetics (formerly Invitae), Labcorp
Classification: Uncertain significance. Last evaluated: 2025-12-03. Review status: criteria provided, single submitter. Criteria: Invitae Variant Classification Sherloc (09022015). Collection method: clinical testing. Allele origin: germline.
Comment: This sequence change replaces serine, which is neutral and polar, with cysteine, which is neutral and slightly polar, at codon 194 of the DBR1 protein (p.Ser194Cys). This variant is present in population databases (no rsID available, gnomAD 0.003%). This variant has not been reported in the literature in individuals affected with DBR1-related conditions. An algorithm developed to predict the effect of missense changes on protein structure and function (PolyPhen-2) suggests that this variant is likely to be disruptive. In summary, the available evidence is currently insufficient to determine the role of this variant in disease. Therefore, it has been classified as a Variant of Uncertain Significance.

NM_016216.4(DBR1):c.581C>G (p.Ser194Cys)

Gene: DBR1 (debranching RNA lariats 1; minus strand). Cytogenetic location: 3q22.3.
Variant type: single nucleotide variant.
Coding change: c.581C>G on transcript NM_016216.4 (MANE Select); coding-DNA position 581, C replaced by G.
Protein change: p.Ser194Cys; replaces serine 194 with cysteine.
Molecular consequence: missense variant.
Genome position (GRCh38, 1-based): chr3:138,167,214, G>C on the plus strand (C>G on the coding strand, the complement: DBR1 is on the minus strand). VCF-style: chr3-138167214-G-C. GRCh37 (hg19) VCF-style: chr3-137886056-G-C.
Other names: short protein forms S194C.
Identifiers: ClinVar variation 4773346 (VCV004773346.1).